The following is an entry in ClinVar:

ClinVar aggregate classification (germline): Conflicting classifications of pathogenicity. Review status: criteria provided, conflicting classifications (1 of 4 stars). 6 submissions from 6 submitters: Uncertain significance (5); Likely benign (1). Last evaluated 2026-06-01.

Conditions:
Pseudohypoaldosteronism type 2C (PHA2C). Also called: Pseudohypoaldosteronism Type IIC. Identifiers: Orphanet 757, Orphanet 88940, MedGen C1840391, MONDO:0013778, OMIM 614492.
Neuropathy, hereditary sensory and autonomic, type 2A (HSAN2A). Also called: HSAN IIA; WNK1-Related HSAN2 (HSAN2A); MORVAN DISEASE; NEUROPATHY, CONGENITAL SENSORY; NEUROPATHY, HEREDITARY SENSORY RADICULAR, AUTOSOMAL RECESSIVE; NEUROPATHY, HEREDITARY SENSORY, TYPE IIA. Identifiers: Orphanet 970, MedGen C2752089, MONDO:0024309, OMIM 201300.
Inborn genetic diseases. Identifiers: MedGen C0950123, MeSH D030342.

Allele frequency attached by ClinVar (database versions not stated): gnomAD 0.00009 and 0.00011; TOPMed 0.00010; ESP Exome Variant Server 0.00016.
gnomAD v4.1: 291 of 1,613,908 alleles (0.018%); highest among the groups gnomAD compares: Non-Finnish European, 0.023%; no homozygotes.

Submissions (7):

CeGaT Center for Human Genetics Tuebingen
Classification: Uncertain significance. Last evaluated: 2026-06-01. Review status: criteria provided, single submitter. Criteria: CeGaT Center For Human Genetics Tuebingen Variant Classification Criteria Version 2. Collection method: clinical testing. Allele origin: germline. Affected: yes. Observed: 1 variant allele.
Comment: WNK1: PM2, BP4

Labcorp Genetics (formerly Invitae), Labcorp
Classification: Likely benign for Neuropathy, hereditary sensory and autonomic, type 2A; Pseudohypoaldosteronism type 2C. Last evaluated: 2026-01-12. Review status: criteria provided, single submitter. Criteria: Invitae Variant Classification Sherloc (09022015). Collection method: clinical testing. Allele origin: germline.

GeneDx
Classification: Uncertain significance. Last evaluated: 2025-12-12. Review status: criteria provided, single submitter. Criteria: GeneDx Variant Classification Process June 2021. Collection method: clinical testing. Allele origin: germline. Affected: yes.
Comment: In silico analysis suggests that this missense variant does not alter protein structure/function; Has not been previously published as pathogenic or benign to our knowledge

Ambry Genetics
Classification: Uncertain significance for Inborn genetic diseases. Last evaluated: 2022-04-06. Review status: criteria provided, single submitter. Criteria: Ambry Variant Classification Scheme 2023. Collection method: clinical testing. Allele origin: germline.
Comment: The p.L869I variant (also known as c.2605C>A), located in coding exon 10 of the WNK1 gene, results from a C to A substitution at nucleotide position 2605. The leucine at codon 869 is replaced by isoleucine, an amino acid with highly similar properties. This amino acid position is well conserved in available vertebrate species. In addition, this alteration is predicted to be tolerated by in silico analysis. Since supporting evidence is limited at this time, the clinical significance of this alteration remains unclear.

Mayo Clinic Laboratories, Mayo Clinic
Classification: Uncertain significance. Last evaluated: 2020-12-31. Review status: criteria provided, single submitter. Criteria: ACMG Guidelines, 2015. Collection method: clinical testing. Allele origin: germline. Observed: 1 variant allele.

Baylor Genetics
Classification: Uncertain significance for Neuropathy, hereditary sensory and autonomic, type 2A. Last evaluated: 2018-11-13. Review status: criteria provided, single submitter. Criteria: ACMG Guidelines, 2015. Collection method: clinical testing. Allele origin: maternal. Affected: yes.
Comment: This variant was determined to be of uncertain significance according to ACMG Guidelines, 2015 [PMID:25741868].

Dr. Peter K. Rogan Lab, Western University
No classification provided (evidence only). Condition: Malignant tumor of urinary bladder. Review status: no classification provided. Collection method: in vitro. Allele origin: not applicable. Functional consequence: retained intron. Not counted in ClinVar's aggregate classification.

NM_213655.5(WNK1):c.2605C>A (p.Leu869Ile)

Gene: WNK1 (WNK lysine deficient protein kinase 1; plus strand). Cytogenetic location: 12p13.33.
Variant type: single nucleotide variant.
Coding change: c.2605C>A on transcript NM_213655.5 (MANE Plus Clinical); coding-DNA position 2605, C replaced by A.
Protein change: p.Leu869Ile; replaces leucine 869 with isoleucine.
Molecular consequence: missense variant. On other transcripts: intron variant (2).
Genome position (GRCh38, 1-based): chr12:868,076, C>A. VCF-style: chr12-868076-C-A. GRCh37 (hg19) VCF-style: chr12-977242-C-A.
Other names: c.2350C>A, p.Leu784Ile (NM_001184985.2); c.2140-3189C>A (NM_018979.4, NM_014823.3); short protein forms L869I, L784I.
Identifiers: ClinVar variation 245939 (VCV000245939.23), dbSNP rs377073379, ClinGen allele CA6382210.